The following is an entry in ClinVar:

ClinVar aggregate classification (germline): Uncertain significance. Review status: criteria provided, multiple submitters, no conflicts (2 of 4 stars). 2 submissions from 2 submitters: Uncertain significance (2). Last evaluated 2025-11-03.

Allele frequency attached by ClinVar (database versions not stated): gnomAD 0.00001; gnomAD exomes 0.00001 and 0.00003; TOPMed 0.00001; ExAC 0.00005.
gnomAD v4.1: 22 of 1,601,832 alleles (0.0014%); highest among the groups gnomAD compares: Admixed American, 0.0017%; no homozygotes.

Submissions (2):

Labcorp Genetics (formerly Invitae), Labcorp
Classification: Uncertain significance. Last evaluated: 2025-11-03. Review status: criteria provided, single submitter. Criteria: Invitae Variant Classification Sherloc (09022015). Collection method: clinical testing. Allele origin: germline.
Comment: This sequence change replaces arginine, which is basic and polar, with cysteine, which is neutral and slightly polar, at codon 1078 of the TAOK2 protein (p.Arg1078Cys). This variant is present in population databases (rs777742559, gnomAD 0.007%). This variant has not been reported in the literature in individuals affected with TAOK2-related conditions. ClinVar contains an entry for this variant (Variation ID: 1501392). An algorithm developed to predict the effect of missense changes on protein structure and function (PolyPhen-2) suggests that this variant is likely to be disruptive. In summary, the available evidence is currently insufficient to determine the role of this variant in disease. Therefore, it has been classified as a Variant of Uncertain Significance.

Ambry Genetics
Classification: Uncertain significance. Last evaluated: 2024-01-30. Review status: criteria provided, single submitter. Criteria: Ambry Variant Classification Scheme 2023. Collection method: clinical testing. Allele origin: germline.

NM_016151.4(TAOK2):c.3232C>T (p.Arg1078Cys)

Gene: TAOK2 (TAO kinase 2; plus strand). Cytogenetic location: 16p11.2.
Variant type: single nucleotide variant.
Coding change: c.3232C>T on transcript NM_016151.4 (MANE Select); coding-DNA position 3232, C replaced by T.
Protein change: p.Arg1078Cys; replaces arginine 1078 with cysteine.
Molecular consequence: missense variant. On other transcripts: intron variant (1).
Genome position (GRCh38, 1-based): chr16:29,987,504, C>T. VCF-style: chr16-29987504-C-T. GRCh37 (hg19) VCF-style: chr16-29998825-C-T.
Other names: c.2893C>T, p.Arg965Cys (NM_001252043.2); c.2232+1000C>T (NM_004783.4); c.3232C>T (NM_016151.2); short protein forms R965C, R1078C.
Identifiers: ClinVar variation 1501392 (VCV001501392.7), dbSNP rs777742559, ClinGen allele CA7998527.